The following is an entry in ClinVar:

ClinVar aggregate classification (germline): Likely benign (1 of 4 stars; one submission).

gnomAD v4.1: 157 of 1,581,626 alleles (0.0099%); highest among the groups gnomAD compares: Admixed American, 0.071%; no homozygotes.

Submission:

CeGaT Center for Human Genetics Tuebingen
Classification: Likely benign. Last evaluated: 2026-07-01. Review status: criteria provided, single submitter. Criteria: CeGaT Center For Human Genetics Tuebingen Variant Classification Criteria Version 2. Collection method: clinical testing. Allele origin: germline. Affected: yes. Observed: 1 variant allele.
Comment: SMG8: BP4, BP7

NM_018149.7(SMG8):c.1788G>A (p.Pro596=)

Gene: SMG8 (SMG8 nonsense mediated mRNA decay factor; plus strand). Cytogenetic location: 17q22.
Variant type: single nucleotide variant.
Coding change: c.1788G>A on transcript NM_018149.7 (MANE Select); coding-DNA position 1788, G replaced by A.
Protein change: p.Pro596=; no amino-acid change (proline 596 retained).
Molecular consequence: synonymous variant.
Genome position (GRCh38, 1-based): chr17:59,212,369, G>A. VCF-style: chr17-59212369-G-A. GRCh37 (hg19) VCF-style: chr17-57289730-G-A.
Identifiers: ClinVar variation 5038855 (VCV005038855.1).